The following is an entry in ClinVar:

NM_001365951.3(KIF1B):c.2534T>A (p.Leu845His)

Gene: KIF1B (kinesin family member 1B; plus strand). Cytogenetic location: 1p36.22.
Variant type: single nucleotide variant.
Coding change: c.2534T>A on transcript NM_001365951.3 (MANE Select); coding-DNA position 2534, T replaced by A.
Protein change: p.Leu845His; replaces leucine 845 with histidine.
Molecular consequence: missense variant.
Genome position (GRCh38, 1-based): chr1:10,324,059, T>A. VCF-style: chr1-10324059-T-A. GRCh37 (hg19) VCF-style: chr1-10384117-T-A.
Other names: c.2534T>A, p.Leu845His (NM_001365952.1); c.2396T>A, p.Leu799His (NM_015074.3); short protein forms L799H, L845H.
Identifiers: ClinVar variation 3226399 (VCV003226399.1), dbSNP rs2521623607, ClinGen allele CA338335220.

ClinVar aggregate classification (germline): Uncertain significance (1 of 4 stars; one submission).

Submission:

Ambry Genetics
Classification: Uncertain significance. Last evaluated: 2024-01-08. Review status: criteria provided, single submitter. Criteria: Ambry Variant Classification Scheme 2023. Collection method: clinical testing. Allele origin: germline.
Comment: The p.L799H variant (also known as c.2396T>A), located in coding exon 22 of the KIF1B gene, results from a T to A substitution at nucleotide position 2396. The leucine at codon 799 is replaced by histidine, an amino acid with similar properties. This amino acid position is conserved. In addition, this alteration is predicted to be deleterious by in silico analysis. Since supporting evidence is limited at this time, the clinical significance of this alteration remains unclear.